The following is an entry in ClinVar:

ClinVar aggregate classification (germline): Likely pathogenic (1 of 4 stars; one submission).

Conditions:
Lethal congenital contracture syndrome 4 (LCCS4). Identifiers: MedGen C3554046, MONDO:0013965, OMIM 614915.

Submission:

First Genomix Gene Laboratory, Genetic Diagnostics Department
Classification: Likely pathogenic for Lethal congenital contracture syndrome 4. Last evaluated: 2025-09-16. Review status: criteria provided, single submitter. Criteria: ACMG Guidelines, 2015. Collection method: clinical testing. Allele origin: germline. Inheritance: Autosomal recessive inheritance. Affected: no. Observed: 1 variant allele.

NM_002465.4(MYBPC1):c.815_816del (p.Glu272fs)

Gene: MYBPC1 (myosin binding protein C1; plus strand). Cytogenetic location: 12q23.2.
Variant type: Microsatellite.
Coding change: c.815_816del on transcript NM_002465.4 (MANE Select); coding-DNA positions 815 to 816, 2 bases deleted (AG; older notation c.815_816delAG).
Protein change: p.Glu272fs; shifts the reading frame from glutamic acid 272.
Molecular consequence: frameshift variant.
Genome position (GRCh38, 1-based): chr12:101,642,568-101,642,569, AG deleted; deleting any 2 consecutive bases within chr12:101,642,564-101,642,569 gives the same sequence; the c. name uses the placement nearest the transcript's 3' end. VCF-style (leftmost placement, unchanged base first): chr12-101642563-CAG-C. GRCh37 (hg19) VCF-style: chr12-102036341-CAG-C.
Other names: c.740_741del, p.Glu247fs (NM_001254718.3, NM_001254719.3, NM_206820.4 and 1 more transcripts); c.704_705del, p.Glu235fs (NM_001254720.3); c.683_684del, p.Glu228fs (NM_001254721.3, NM_001404676.1, NM_001404678.1); c.662_663del, p.Glu221fs (NM_001254722.3, NM_001404680.1); c.701_702del, p.Glu234fs (NM_001254723.3); c.815_816del, p.Glu272fs (NM_001404675.1, NM_206819.4); c.605_606del, p.Glu202fs (NM_001404677.1, NM_001404679.1, NM_001404681.1); c.815_816delAG (NM_002465.4); short protein forms E202fs, E221fs, E228fs, E234fs, E235fs, E247fs, E272fs.
Identifiers: ClinVar variation 4850254 (VCV004850254.1).